The following is an entry in ClinVar:

ClinVar aggregate classification (germline): Pathogenic (1 of 4 stars; one submission).

Submission:

Labcorp Genetics (formerly Invitae), Labcorp
Classification: Pathogenic. Last evaluated: 2023-08-24. Review status: criteria provided, single submitter. Criteria: Invitae Variant Classification Sherloc (09022015). Collection method: clinical testing. Allele origin: germline.
Comment: For these reasons, this variant has been classified as Pathogenic. ClinVar contains an entry for this variant (Variation ID: 1454909). This premature translational stop signal has been observed in individuals with retinitis pigmentosa (PMID: 32141364; Invitae). This variant is not present in population databases (gnomAD no frequency). This sequence change creates a premature translational stop signal (p.Gly703Valfs*138) in the CDHR1 gene. While this is not anticipated to result in nonsense mediated decay, it is expected to disrupt the last 157 amino acid(s) of the CDHR1 protein.

Literature cited by the submitters: PubMed 32141364.

NM_033100.4(CDHR1):c.2108del (p.Gly703fs)

Gene: CDHR1 (cadherin related family member 1; plus strand). Cytogenetic location: 10q23.1.
Variant type: Deletion.
Coding change: c.2108del on transcript NM_033100.4 (MANE Select); coding-DNA position 2108, one base deleted (G; older notation c.2108delG).
Protein change: p.Gly703fs; shifts the reading frame from glycine 703.
Molecular consequence: frameshift variant. On other transcripts: intron variant (1).
Genome position (GRCh38, 1-based): chr10:84,214,149, G deleted; the last of 3 consecutive G bases (chr10:84,214,147-84,214,149); deleting any one gives the same sequence. VCF-style (leftmost placement, unchanged base first): chr10-84214146-TG-T. GRCh37 (hg19) VCF-style: chr10-85973902-TG-T.
Other names: c.2040+801del (NM_001171971.3); short protein forms G703fs.
Identifiers: ClinVar variation 1454909 (VCV001454909.6), dbSNP rs2132836781, ClinGen allele CA2573145653.